The following is an entry in ClinVar:

NM_001394531.1(WDFY4):c.8585-7G>A

Gene: WDFY4 (WDFY family member 4; plus strand). Cytogenetic location: 10q11.23.
Variant type: single nucleotide variant.
Coding change: c.8585-7G>A on transcript NM_001394531.1 (MANE Select); 7 bases into the intron before coding-DNA position 8585, G replaced by A.
Molecular consequence: intron variant.
Genome position (GRCh38, 1-based): chr10:48,969,057, G>A. VCF-style: chr10-48969057-G-A. GRCh37 (hg19) VCF-style: chr10-50177102-G-A.
Other names: c.8585-7G>A (NM_020945.2).
Identifiers: ClinVar variation 4979923 (VCV004979923.1).

ClinVar aggregate classification (germline): Likely benign (1 of 4 stars; one submission).

Conditions:
WDFY4-related disorder. Also called: WDFY4-related condition.

gnomAD v4.1: 81 of 1,550,678 alleles (0.0052%); highest among the groups gnomAD compares: Non-Finnish European, 0.0068%; no homozygotes.

Submission:

PreventionGenetics, part of Exact Sciences
Classification: Likely benign for WDFY4-related condition. Last evaluated: 2026-05-07. Review status: criteria provided, single submitter. Criteria: ACMG Guidelines, 2015. Collection method: clinical testing. Allele origin: germline.
Comment: This variant is classified as likely benign based on ACMG/AMP sequence variant interpretation guidelines (Richards et al. 2015 PMID: 25741868, with internal and published modifications).